The following is an entry in ClinVar:

ClinVar aggregate classification (germline): Likely benign (0 of 4 stars; one submission).

Conditions:
FMN2-related disorder. Also called: FMN2-related condition.

gnomAD v4.1: 149 of 1,580,578 alleles (0.0094%); highest among the groups gnomAD compares: South Asian, 0.014%; no homozygotes.

Submission:

PreventionGenetics, part of Exact Sciences
Classification: Likely benign for FMN2-related condition. Last evaluated: 2019-03-04. Review status: no assertion criteria provided. Collection method: clinical testing. Allele origin: germline.
Comment: This variant is classified as likely benign based on ACMG/AMP sequence variant interpretation guidelines (Richards et al. 2015 PMID: 25741868, with internal and published modifications).

NM_020066.5(FMN2):c.87C>A (p.Pro29=)

Gene: FMN2 (formin 2; plus strand). Cytogenetic location: 1q43.
Variant type: single nucleotide variant.
Coding change: c.87C>A on transcript NM_020066.5 (MANE Select); coding-DNA position 87, C replaced by A.
Protein change: p.Pro29=; no amino-acid change (proline 29 retained).
Molecular consequence: synonymous variant.
Genome position (GRCh38, 1-based): chr1:240,092,196, C>A. VCF-style: chr1-240092196-C-A. GRCh37 (hg19) VCF-style: chr1-240255496-C-A.
Other names: c.87C>A, p.Pro29= (NM_001305424.2, NM_001348094.2).
Identifiers: ClinVar variation 3353161 (VCV003353161.1).